The following is an entry in ClinVar:

ClinVar aggregate classification (germline): Pathogenic (1 of 4 stars; one submission).

Submission:

Labcorp Genetics (formerly Invitae), Labcorp
Classification: Pathogenic. Last evaluated: 2024-03-07. Review status: criteria provided, single submitter. Criteria: Invitae Variant Classification Sherloc (09022015). Collection method: clinical testing. Allele origin: germline.
Comment: This sequence change creates a premature translational stop signal (p.Ala312Argfs*20) in the ANK1 gene. It is expected to result in an absent or disrupted protein product. Loss-of-function variants in ANK1 are known to be pathogenic (PMID: 8640229). This variant is not present in population databases (gnomAD no frequency). This variant has not been reported in the literature in individuals affected with ANK1-related conditions. For these reasons, this variant has been classified as Pathogenic.

Literature cited by the submitters: PubMed 8640229.

NM_000037.4(ANK1):c.934del (p.Ala312fs)

Gene: ANK1 (ankyrin 1; minus strand). Cytogenetic location: 8p11.21.
Variant type: Deletion.
Coding change: c.934del on transcript NM_000037.4 (MANE Select); coding-DNA position 934, one base deleted (G; older notation c.934delG).
Protein change: p.Ala312fs; shifts the reading frame from alanine 312.
Molecular consequence: frameshift variant.
Genome position (GRCh38, 1-based): chr8:41,719,834, C deleted on the plus strand (G on the coding strand, the reverse complement: ANK1 is on the minus strand); the first of 2 consecutive C bases (chr8:41,719,834-41,719,835); deleting either gives the same sequence. VCF-style (leftmost placement, unchanged base first): chr8-41719833-GC-G. GRCh37 (hg19) VCF-style: chr8-41577351-GC-G.
Other names: c.1033del, p.Ala345fs (NM_001142446.2); c.934del, p.Ala312fs (NM_020475.3, NM_020476.3, NM_020477.3); short protein forms A345fs, A312fs.
Identifiers: ClinVar variation 3644958 (VCV003644958.2).